The following is an entry in ClinVar:

ClinVar aggregate classification (germline): Pathogenic. Review status: criteria provided, single submitter (1 of 4 stars). 2 submissions from 2 submitters: Pathogenic (1). 1 of the submissions does not count toward it. Last evaluated 2024-06-17.

Conditions:
Lissencephaly 4 (LIS4). Also called: Lissencephaly 4 (with microcephaly). Identifiers: Orphanet 1083, MedGen C3151461, MONDO:0013527, OMIM 614019.
NDE1-related disorder. Also called: NDE1-related condition; NDE1-Related Disorders.

Submissions (2):

Women's Health and Genetics/Laboratory Corporation of America, LabCorp
Classification: Pathogenic for NDE1-Related Disorders. Last evaluated: 2024-06-17. Review status: criteria provided, single submitter. Criteria: LabCorp Variant Classification Summary - May 2015. Collection method: clinical testing. Allele origin: germline.
Comment: Variant summary: NDE1 c.733dupC (p.Leu245ProfsX70) results in a premature termination codon, predicted to cause a truncation of the encoded protein or absence of the protein due to nonsense mediated decay, which are commonly known mechanisms for disease. The variant allele was found at a frequency of 4e-06 in 250300 control chromosomes. c.733dupC has been reported in the literature in at least one homozygous individual affected with NDE1-Related Disorders (e.g., Alkuraya_2011). At least one publication reports experimental evidence evaluating an impact on protein function; studies of cDNA and/or transfected 293T cells with the variant demonstrated completely abolished dynein binding as well as a failure to localize to the expected target (Alkuraya_2011). The following publication has been ascertained in the context of this evaluation (PMID: 21529751). ClinVar contains an entry for this variant (Variation ID: 30789). Based on the evidence outlined above, the variant was classified as pathogenic.

OMIM
Classification: Pathogenic for LISSENCEPHALY 4 WITH MICROCEPHALY. Last evaluated: 2011-05-13. Review status: no assertion criteria provided. Collection method: literature only. Allele origin: germline. Not counted in ClinVar's aggregate classification.

Literature cited by the submitters: PubMed 21529751 (cited by Women's Health and Genetics/Laboratory Corporation of America, LabCorp and OMIM).

NM_017668.3(NDE1):c.733dup (p.Leu245fs)

Gene: NDE1 (nudE neurodevelopment protein 1; plus strand). Cytogenetic location: 16p13.11.
Variant type: Duplication.
Coding change: c.733dup on transcript NM_017668.3 (MANE Select); coding-DNA position 733, one base duplicated (C; older notation c.733dupC).
Protein change: p.Leu245fs; shifts the reading frame from leucine 245.
Molecular consequence: frameshift variant.
Genome position (GRCh38, 1-based): chr16:15,694,194, C duplicated; the last of 6 consecutive C bases (chr16:15,694,189-15,694,194); duplicating any one gives the same sequence. VCF-style (leftmost placement, unchanged base first): chr16-15694188-A-AC. GRCh37 (hg19) VCF-style: chr16-15788045-A-AC.
Other names: c.733dup, p.Leu245fs (NM_001143979.2); c.733dupC (NM_001143979.1, NM_001143979.2); short protein forms L245fs.
Identifiers: ClinVar variation 30789 (VCV000030789.3), dbSNP rs749768828, ClinGen allele CA621060576.